The following is an entry in ClinVar:

NM_002025.4(AFF2):c.3137C>T (p.Ala1046Val)

Gene: AFF2 (ALF transcription elongation factor 2; plus strand). Cytogenetic location: Xq28.
Variant type: single nucleotide variant.
Coding change: c.3137C>T on transcript NM_002025.4 (MANE Select); coding-DNA position 3137, C replaced by T.
Protein change: p.Ala1046Val; replaces alanine 1046 with valine.
Molecular consequence: missense variant.
Genome position (GRCh38, 1-based): chrX:148,967,013, C>T. VCF-style: chrX-148967013-C-T. GRCh37 (hg19) VCF-style: chrX-148048543-C-T.
Other names: c.3032C>T, p.Ala1011Val (NM_001169122.2, NM_001169124.2); c.3107C>T, p.Ala1036Val (NM_001169123.2); c.3020C>T, p.Ala1007Val (NM_001169125.2); c.2060C>T, p.Ala687Val (NM_001170628.1); short protein forms A1036V, A1046V, A1007V, A1011V, A687V.
Identifiers: ClinVar variation 4832926 (VCV004832926.1).

ClinVar aggregate classification (germline): Uncertain significance (1 of 4 stars; one submission).

Conditions:
Inborn genetic diseases. Identifiers: MedGen C0950123, MeSH D030342.

gnomAD v4.1: 6 of 1,211,529 alleles (0.0005%); highest among the groups gnomAD compares: African/African-American, 0.0035%; no homozygotes.

Submission:

Ambry Genetics
Classification: Uncertain significance for Inborn genetic diseases. Last evaluated: 2026-03-03. Review status: criteria provided, single submitter. Criteria: Ambry Variant Classification Scheme 2023. Collection method: clinical testing. Allele origin: germline.
Comment: The c.3137C>T (p.A1046V) alteration is located in exon 14 (coding exon 14) of the AFF2 gene. This alteration results from a C to T substitution at nucleotide position 3137, causing the alanine (A) at amino acid position 1046 to be replaced by a valine (V). Based on data from gnomAD, the T allele has an overall frequency of 0.002% (3/181318) total alleles studied. The highest observed frequency was 0.004% (3/79896) of European (non-Finnish) alleles. Based on insufficient or conflicting evidence, the clinical significance of this alteration remains unclear.